The following is an entry in ClinVar:

NM_004260.4(RECQL4):c.1348G>A (p.Val450Met)

Gene: RECQL4 (RecQ like helicase 4; minus strand). Cytogenetic location: 8q24.3.
Variant type: single nucleotide variant.
Coding change: c.1348G>A on transcript NM_004260.4 (MANE Select); coding-DNA position 1348, G replaced by A.
Protein change: p.Val450Met; replaces valine 450 with methionine.
Molecular consequence: missense variant.
Genome position (GRCh38, 1-based): chr8:144,515,368, C>T on the plus strand (G>A on the coding strand, the complement: RECQL4 is on the minus strand). VCF-style: chr8-144515368-C-T. GRCh37 (hg19) VCF-style: chr8-145740752-C-T.
Other names: short protein forms V450M.
Identifiers: ClinVar variation 239695 (VCV000239695.16), dbSNP rs200941778, ClinGen allele CA4948908.
Genomic context (GRCh38, chr8:144,515,368, plus strand): 5'-CAGAAGCTGACTGCTCACCTGCCAACTGCCCTGAGGGCCCCAGGGAGTAGAGTGGCAGCA[C>T]GGTGGGGTCCAGGCTGGGCACCTCAGGTACAGGTTGTGGTGAAGGAACCAGTGGCTCAGG-3'
Protein context (NP_004251.4, residues 440-460): VPEVPSLDPT[Val450Met]LPLYSLGPSG

ClinVar aggregate classification (germline): Conflicting classifications of pathogenicity. Review status: criteria provided, conflicting classifications (1 of 4 stars). 5 submissions from 5 submitters: Uncertain significance (3); Benign (1). 1 of the submissions does not count toward it. Last evaluated 2026-01-06.

Conditions:
RECQL4-related disorder. Also called: RECQL4-related condition; RECQL4-related disorders.
Rothmund-Thomson syndrome type 2 (RTS2). Identifiers: Orphanet 221016, MedGen C5203410, MONDO:0016369, OMIM 268400.
Hereditary cancer-predisposing syndrome. Also called: Hereditary Cancer Syndrome; Tumor predisposition; Hereditary neoplastic syndrome; Neoplastic Syndromes, Hereditary. Identifiers: Orphanet 140162, MedGen C0027672, MeSH D009386, MONDO:0015356.
Baller-Gerold syndrome (BGS). Also called: CRANIOSYNOSTOSIS WITH RADIAL DEFECTS. Identifiers: Orphanet 1225, MedGen C0265308, MONDO:0009039, OMIM 218600.

Allele frequency attached by ClinVar (database versions not stated): ESP Exome Variant Server 0.00008; ExAC 0.00019; gnomAD exomes 0.00029; 1000 Genomes Project 30x 0.00031; 1000 Genomes Project 0.00040; TOPMed 0.00051; gnomAD 0.00058 and 0.00059.
gnomAD v4.1: 274 of 1,612,718 alleles (0.017%); highest among the groups gnomAD compares: Admixed American, 0.18%; no homozygotes.

Submissions (5):

Labcorp Genetics (formerly Invitae), Labcorp
Classification: Benign for Baller-Gerold syndrome. Last evaluated: 2026-01-06. Review status: criteria provided, single submitter. Criteria: Invitae Variant Classification Sherloc (09022015). Collection method: clinical testing. Allele origin: germline.

St. Jude Molecular Pathology, St. Jude Children's Research Hospital
Classification: Uncertain significance for Rothmund-Thomson syndrome type 2. Last evaluated: 2022-10-17. Review status: criteria provided, single submitter. Criteria: St. Jude Assertion Criteria 2020. Collection method: clinical testing. Allele origin: germline.
Comment: The RECQL4 c.1348G>A (p.Val450Met) missense change has a maximum non-founder subpopulation frequency of 0.099% in gnomAD v2.1.1. In silico tools predict a benign effect on protein function, but to our knowledge these predictions have not been confirmed by functional studies. To our knowledge, this variant has not been reported in individuals with RECQL4-associated disorders. In summary, the evidence currently available is insufficient to determine the clinical significance of this variant. It has therefore been classified as of uncertain significance.

Sema4
Classification: Uncertain significance for Hereditary cancer-predisposing syndrome. Last evaluated: 2022-03-13. Review status: criteria provided, single submitter. Criteria: Sema4 Curation Guidelines. Collection method: curation. Allele origin: germline.
Comment: The RECQL4 c.1348G>A (p.V450M) variant has been reported in heterozygosity in at least one individual with pancreatic ductal adenocarcinoma and at least one individual with advanced cancer (PMID: 32659497, 28873162). This variant was observed in 74/279050 chromosomes across all populations of the large and broad cohorts in the Genome Aggregation Database (PMID: 32461654). This variant has been reported in ClinVar (Variation ID: 239695). This variant is moderately conserved and in silico tools suggest the impact of the variant on protein function is benign, though these predictions have not been confirmed by functional studies. There is no indication that this variant causes disease, but the evidence is insufficient currently to prove that conclusively. In summary, the clinical significance of this variant is currently uncertain.

GeneDx
Classification: Uncertain significance. Last evaluated: 2019-11-03. Review status: criteria provided, single submitter. Criteria: GeneDx Variant Classification Process June 2021. Collection method: clinical testing. Allele origin: germline. Affected: yes.
Comment: In silico analysis, which includes protein predictors and evolutionary conservation, supports that this variant does not alter protein structure/function; Has not been previously published as pathogenic or benign to our knowledge

PreventionGenetics, part of Exact Sciences
Classification: Uncertain significance for RECQL4-related condition. Last evaluated: 2024-02-06. Review status: no assertion criteria provided. Collection method: clinical testing. Allele origin: germline. Not counted in ClinVar's aggregate classification.
Comment: The RECQL4 c.1348G>A variant is predicted to result in the amino acid substitution p.Val450Met. This variant has been reported in a cohort of individuals presenting with pancreatic ductal adenocarcinoma (Appendix Table 2, Hu et al. 2020. PubMed ID: 32659497) and in a general cohort of patients with a history of cancer (eTable, Mandelker et al. 2017. PubMed ID: 28873162). This variant is reported in 0.27% of alleles in individuals of Ashkenazi Jewish descent in gnomAD. In ClinVar, this variant has conflicting interpretations ranging from uncertain to benign. At this time, the clinical significance of this variant is uncertain due to the absence of conclusive functional and genetic evidence.

Literature cited by the submitters: PubMed 32659497 (cited by Sema4); PubMed 28873162 (cited by Sema4).